The following is an entry in ClinVar:

ClinVar aggregate classification (germline): Uncertain significance. Review status: criteria provided, single submitter (1 of 4 stars). 3 submissions from 3 submitters: Uncertain significance (1). 2 of the submissions do not count toward it. Last evaluated 2020-01-08.

Allele frequency attached by ClinVar (database versions not stated): gnomAD 0.00001; gnomAD exomes 0.00001.
gnomAD v4.1: 6 of 1,613,846 alleles (0.00037%); highest among the groups gnomAD compares: Non-Finnish European, 0.00051%; no homozygotes.

Submissions (3):

GeneDx
Classification: Uncertain significance. Last evaluated: 2020-01-08. Review status: criteria provided, single submitter. Criteria: GeneDx Variant Classification Process June 2021. Collection method: clinical testing. Allele origin: germline. Affected: yes.
Comment: Not observed at a significant frequency in large population cohorts (Lek et al., 2016); Has not been previously published as pathogenic or benign to our knowledge; In-silico analysis, which includes splice predictors and evolutionary conservation, is inconclusive as to whether the variant alters gene splicing. In the absence of RNA/functional studies, the actual effect of this sequence change is unknown.

Clinical Genetics DNA and cytogenetics Diagnostics Lab, Erasmus MC, Erasmus Medical Center
Classification: Likely benign. Review status: no assertion criteria provided. Collection method: clinical testing. Allele origin: germline. Affected: yes. Study: VKGL Data-share Consensus. Not counted in ClinVar's aggregate classification.

Clinical Genetics, Academic Medical Center
Classification: Benign. Review status: no assertion criteria provided. Collection method: clinical testing. Allele origin: germline. Affected: yes. Study: VKGL Data-share Consensus. Not counted in ClinVar's aggregate classification.

NM_001128840.3(CACNA1D):c.2562G>A (p.Lys854=)

Gene: CACNA1D (calcium voltage-gated channel subunit alpha1 D; plus strand). Cytogenetic location: 3p21.1.
Variant type: single nucleotide variant.
Coding change: c.2562G>A on transcript NM_001128840.3 (MANE Select); coding-DNA position 2562, G replaced by A.
Protein change: p.Lys854=; no amino-acid change (lysine 854 retained).
Molecular consequence: synonymous variant.
Genome position (GRCh38, 1-based): chr3:53,732,903, G>A. VCF-style: chr3-53732903-G-A. GRCh37 (hg19) VCF-style: chr3-53766930-G-A.
Other names: c.2622G>A, p.Lys874= (NM_000720.4); c.2562G>A, p.Lys854= (NM_001128839.3).
Identifiers: ClinVar variation 1284670 (VCV001284670.5), dbSNP rs1332817040, ClinGen allele CA433800873.